The following is an entry in ClinVar:

NM_007294.4(BRCA1):c.112A>C (p.Lys38Gln)

Gene: BRCA1 (BRCA1 DNA repair associated; minus strand). Cytogenetic location: 17q21.31.
Variant type: single nucleotide variant.
Coding change: c.112A>C on transcript NM_007294.4 (MANE Select); coding-DNA position 112, A replaced by C.
Protein change: p.Lys38Gln; replaces lysine 38 with glutamine.
Molecular consequence: missense variant. On other transcripts: non-coding transcript variant (1), intron variant (1).
Genome position (GRCh38, 1-based): chr17:43,115,748, T>G on the plus strand (A>C on the coding strand, the complement: BRCA1 is on the minus strand). VCF-style: chr17-43115748-T-G. GRCh37 (hg19) VCF-style: chr17-41267765-T-G.
Other names: c.112A>C, p.Lys38Gln (NM_001407647.1, NM_001407648.1, NM_001407649.1 and 192 more transcripts); c.-146A>C (NM_001407694.1, NM_001407696.1, NM_001407724.1 and 13 more transcripts); c.-150A>C (NM_001407695.1, NM_001408465.1); c.-30A>C (NM_001407697.1, NM_001407725.1, NM_001407728.1 and 47 more transcripts); c.-26A>C (NM_001407841.1); c.-77A>C (NM_001407853.1, NM_001407879.1, NM_001407882.1 and 52 more transcripts); c.-193A>C (NM_001407889.1, NM_001407900.1, NM_001408492.1); c.-192A>C (NM_001407960.1, NM_001407962.1, NM_001408510.1 and 1 more transcripts); and 2 more; short protein forms K38Q.
Identifiers: ClinVar variation 865128 (VCV000865128.3), dbSNP rs2055252323, ClinGen allele CA10601934.
Genomic context (GRCh38, chr17:43,115,748, plus strand): 5'-AAGCTAATAATGGAGCCACATAACACATTCAAACTTACTTGCAAAATATGTGGTCACACT[T>G]TGTGGAGACAGGTTCCTTGATCAACTCCAGACTAGCAGGGTAGGGGGGGAGAAAAAGAAA-3'
Protein context (NP_009225.1, residues 28-48): LELIKEPVST[Lys38Gln]CDHIFCKFCM

Conditions:
Breast-ovarian cancer, familial, susceptibility to, 1 (BROVCA1). Also called: BRCA1 Hereditary Breast and Ovarian Cancer; OVARIAN CANCER, SUSCEPTIBILITY TO. Identifiers: Orphanet 145, MedGen C2676676, MONDO:0011450, OMIM 604370. Disease mechanism: loss of function.

Submission:

Brotman Baty Institute, University of Washington
No classification provided (evidence only). Condition: Breast-ovarian cancer, familial 1. Review status: no classification provided. Collection method: in vitro. Allele origin: not applicable. Functional consequence: functionally_normal.
ClinVar note: "not provided" was previously submitted as the classification for the variant. However, the classification appeared to be based only on an observation of functional data so it was converted to no classification on 2025-07-30.